The following is an entry in ClinVar:

NM_004360.5(CDH1):c.2469A>G (p.Thr823=)

Gene: CDH1 (cadherin 1; plus strand). Cytogenetic location: 16q22.1.
Variant type: single nucleotide variant.
Coding change: c.2469A>G on transcript NM_004360.5 (MANE Select); coding-DNA position 2469, A replaced by G.
Protein change: p.Thr823=; no amino-acid change (threonine 823 retained).
Molecular consequence: synonymous variant.
Genome position (GRCh38, 1-based): chr16:68,833,319, A>G. VCF-style: chr16-68833319-A-G. GRCh37 (hg19) VCF-style: chr16-68867222-A-G.
Other names: c.2286A>G, p.Thr762= (NM_001317184.2); c.921A>G, p.Thr307= (NM_001317185.2); c.504A>G, p.Thr168= (NM_001317186.2); c.2469A>G (NM_004360.3).
Identifiers: ClinVar variation 1122385 (VCV001122385.11), dbSNP rs2152143874, ClinGen allele CA496393027.
Genomic context (GRCh38, chr16:68,833,319, plus strand): 5'-CTAAAAGATGCTTTTGTCCCTTCTTCTTTAGAATCTGAAAGCGGCTGATACTGACCCCAC[A>G]GCCCCGCCTTATGATTCTCTGCTCGTGTTTGACTATGAAGGAAGCGGTTCCGAAGCTGCT-3'
Protein context (NP_004351.1, residues 813-833): ENLKAADTDP[Thr823=]APPYDSLLVF

ClinVar aggregate classification (germline): Benign/Likely benign. Review status: criteria provided, multiple submitters, no conflicts (2 of 4 stars). 3 submissions from 3 submitters: Benign (1); Likely benign (2). Last evaluated 2024-11-16.

Conditions:
Hereditary cancer-predisposing syndrome. Also called: Neoplastic Syndromes, Hereditary; Tumor predisposition; Hereditary Cancer Syndrome; Hereditary neoplastic syndrome. Identifiers: Orphanet 140162, MedGen C0027672, MeSH D009386, MONDO:0015356.
Hereditary diffuse gastric adenocarcinoma (HDGC). Also called: DIFFUSE GASTRIC AND LOBULAR BREAST CANCER SYNDROME. Identifiers: Orphanet 26106, MedGen C1708349, MONDO:0007648, OMIM 137215.

gnomAD v4.1: 1 of 1,614,194 alleles (0.000062%); highest among the groups gnomAD compares: Non-Finnish European, 0.000085%; no homozygotes.

Submissions (3):

Ambry Genetics
Classification: Likely benign for Hereditary cancer-predisposing syndrome. Last evaluated: 2024-11-16. Review status: criteria provided, single submitter. Criteria: Ambry Variant Classification Scheme 2023. Collection method: clinical testing. Allele origin: germline.

Myriad Genetics, Inc.
Classification: Benign for Hereditary diffuse gastric adenocarcinoma. Last evaluated: 2024-09-24. Review status: criteria provided, single submitter. Criteria: Myriad Autosomal Dominant, Autosomal Recessive and X-Linked Classification Criteria (2023). Collection method: clinical testing. Allele origin: unknown.
Comment: This variant is considered benign. This variant is a silent/synonymous amino acid change and it is not expected to impact splicing.

Labcorp Genetics (formerly Invitae), Labcorp
Classification: Likely benign for Hereditary diffuse gastric adenocarcinoma. Last evaluated: 2024-02-22. Review status: criteria provided, single submitter. Criteria: Invitae Variant Classification Sherloc (09022015). Collection method: clinical testing. Allele origin: germline.